The following is an entry in ClinVar:

ClinVar aggregate classification (germline): Uncertain significance (1 of 4 stars; one submission).

Allele frequency attached by ClinVar (database versions not stated): gnomAD exomes below 0.00001.
gnomAD v4.1: 5 of 1,614,110 alleles (0.00031%); highest among the groups gnomAD compares: East Asian, 0.0022%; no homozygotes.

Submission:

Women's Health and Genetics/Laboratory Corporation of America, LabCorp
Classification: Uncertain significance. Last evaluated: 2024-01-16. Review status: criteria provided, single submitter. Criteria: LabCorp Variant Classification Summary - May 2015. Collection method: clinical testing. Allele origin: germline.
Comment: Variant summary: TRIP12 c.2486G>A (p.Arg829Gln) results in a conservative amino acid change in the encoded protein sequence. Three of five in-silico tools predict a benign effect of the variant on protein function. The variant allele was found at a frequency of 4e-06 in 251460 control chromosomes (gnomAD). The available data on variant occurrences in the general population are insufficient to allow any conclusion about variant significance. To our knowledge, no occurrence of c.2486G>A in individuals affected with Clark-Baraitser Syndrome and no experimental evidence demonstrating its impact on protein function have been reported. No submitters have cited clinical-significance assessments for this variant to ClinVar. Based on the evidence outlined above, the variant was classified as uncertain significance.

NM_001348323.3(TRIP12):c.2486G>A (p.Arg829Gln)

Gene: TRIP12 (thyroid hormone receptor interactor 12; minus strand). Cytogenetic location: 2q36.3.
Variant type: single nucleotide variant.
Coding change: c.2486G>A on transcript NM_001348323.3 (MANE Select); coding-DNA position 2486, G replaced by A.
Protein change: p.Arg829Gln; replaces arginine 829 with glutamine.
Molecular consequence: missense variant.
Genome position (GRCh38, 1-based): chr2:229,807,718, C>T on the plus strand (G>A on the coding strand, the complement: TRIP12 is on the minus strand). VCF-style: chr2-229807718-C-T. GRCh37 (hg19) VCF-style: chr2-230672434-C-T.
Other names: c.2486G>A, p.Arg829Gln (NM_001284214.2, NM_001348315.2, NM_001348319.1 and 11 more transcripts); c.2360G>A, p.Arg787Gln (NM_001284215.2, NM_001348316.2, NM_001348317.1 and 2 more transcripts); c.1451G>A, p.Arg484Gln (NM_001284216.2); c.2399G>A, p.Arg800Gln (NM_001348332.1); c.2342G>A, p.Arg781Gln (NM_004238.3); short protein forms R484Q, R781Q, R787Q, R800Q, R829Q.
Identifiers: ClinVar variation 3063943 (VCV003063943.1), dbSNP rs1454132755, ClinGen allele CA350916554.